The following is an entry in ClinVar:

NM_000051.4(ATM):c.4398A>T (p.Arg1466=)

Gene: ATM (ATM serine/threonine kinase; plus strand). Cytogenetic location: 11q22.3.
Variant type: single nucleotide variant.
Coding change: c.4398A>T on transcript NM_000051.4 (MANE Select); coding-DNA position 4398, A replaced by T.
Protein change: p.Arg1466=; no amino-acid change (arginine 1466 retained).
Molecular consequence: synonymous variant.
Genome position (GRCh38, 1-based): chr11:108,289,763, A>T. VCF-style: chr11-108289763-A-T. GRCh37 (hg19) VCF-style: chr11-108160490-A-T.
Other names: c.4398A>T, p.Arg1466= (NM_001351834.2).
Identifiers: ClinVar variation 490569 (VCV000490569.14), dbSNP rs142728382, ClinGen allele CA476674028.

ClinVar aggregate classification (germline): Benign/Likely benign. Review status: criteria provided, multiple submitters, no conflicts (2 of 4 stars). 4 submissions from 4 submitters: Benign (1); Likely benign (3). Last evaluated 2024-10-03.

Conditions:
Hereditary cancer-predisposing syndrome. Also called: Tumor predisposition; Neoplastic Syndromes, Hereditary; Hereditary Cancer Syndrome; Hereditary neoplastic syndrome. Identifiers: Orphanet 140162, MedGen C0027672, MeSH D009386, MONDO:0015356.
Familial cancer of breast. Also called: BREAST CANCER, FAMILIAL; hereditary breast carcinoma; Hereditary breast cancer. Identifiers: Orphanet 227535, MedGen C0346153, MONDO:0016419, OMIM 114480. Disease mechanism: loss of function.
Ataxia-telangiectasia syndrome (AT). Also called: Ataxia-telangiectasia; Ataxia-telangiectasia, complementation group D; AT, COMPLEMENTATION GROUP C; LOUIS-BAR SYNDROME; Cerebello-oculocutaneous telangiectasia; Immunodeficiency with ataxia telangiectasia. Identifiers: Orphanet 100, MedGen C0004135, MONDO:0008840, OMIM 208900.

Submissions (4):

Labcorp Genetics (formerly Invitae), Labcorp
Classification: Likely benign for Ataxia-telangiectasia syndrome. Last evaluated: 2024-10-03. Review status: criteria provided, single submitter. Criteria: Invitae Variant Classification Sherloc (09022015). Collection method: clinical testing. Allele origin: germline.

Myriad Genetics, Inc.
Classification: Benign for Familial cancer of breast. Last evaluated: 2024-05-17. Review status: criteria provided, single submitter. Criteria: Myriad Autosomal Dominant, Autosomal Recessive and X-Linked Classification Criteria (2023). Collection method: clinical testing. Allele origin: unknown.
Comment: This variant is considered benign. This variant is a silent/synonymous amino acid change and it is not expected to impact splicing.

Color Diagnostics, LLC DBA Color Health
Classification: Likely benign for Hereditary cancer-predisposing syndrome. Last evaluated: 2017-09-26. Review status: criteria provided, single submitter. Criteria: ACMG Guidelines, 2015. Collection method: clinical testing. Allele origin: germline.

Ambry Genetics
Classification: Likely benign for Hereditary cancer-predisposing syndrome. Last evaluated: 2017-09-25. Review status: criteria provided, single submitter. Criteria: Ambry Variant Classification Scheme 2023. Collection method: clinical testing. Allele origin: germline.